The following is an entry in ClinVar:

NM_003482.4(KMT2D):c.8046+2T>G

Gene: KMT2D (lysine methyltransferase 2D; minus strand). Cytogenetic location: 12q13.12.
Variant type: single nucleotide variant.
Coding change: c.8046+2T>G on transcript NM_003482.4 (MANE Select); the canonical splice donor site of the intron after coding-DNA position 8046, T replaced by G.
Molecular consequence: splice donor variant.
Genome position (GRCh38, 1-based): chr12:49,039,722, A>C on the plus strand (T>G on the coding strand, the complement: KMT2D is on the minus strand). VCF-style: chr12-49039722-A-C. GRCh37 (hg19) VCF-style: chr12-49433505-A-C.
Identifiers: ClinVar variation 3651210 (VCV003651210.3).

ClinVar aggregate classification (germline): Likely pathogenic (1 of 4 stars; one submission).

Conditions:
Kabuki syndrome. Also called: NIIKAWA-KUROKI SYNDROME; Kabuki make-up syndrome. Identifiers: Orphanet 2322, MedGen C0796004, MONDO:0016512.

Submissions (2):

Labcorp Genetics (formerly Invitae), Labcorp
Classification: Likely pathogenic for Kabuki syndrome. Last evaluated: 2024-05-01. Review status: criteria provided, single submitter. Criteria: Invitae Variant Classification Sherloc (09022015). Collection method: clinical testing. Allele origin: germline.
Comment: This sequence change affects a donor splice site in intron 31 of the KMT2D gene. It is expected to disrupt RNA splicing. Variants that disrupt the donor or acceptor splice site typically lead to a loss of protein function (PMID: 16199547), and loss-of-function variants in KMT2D are known to be pathogenic (PMID: 22126750). The frequency data for this variant in the population databases is considered unreliable, as metrics indicate poor data quality at this position in the gnomAD database. Disruption of this splice site has been observed in individual(s) with clinical features of KMT2D-related conditions (Invitae). Algorithms developed to predict the effect of sequence changes on RNA splicing suggest that this variant may disrupt the consensus splice site. In summary, the currently available evidence indicates that the variant is pathogenic, but additional data are needed to prove that conclusively. Therefore, this variant has been classified as Likely Pathogenic.

Dr. Peter K. Rogan Lab, Western University
No classification provided (evidence only). Condition: Thyroid cancer, nonmedullary, 1. Review status: no classification provided. Collection method: in vitro. Allele origin: not applicable. Functional consequence: retained intron. Not counted in ClinVar's aggregate classification.

Literature cited by the submitters: PubMed 16199547 (cited by Labcorp Genetics (formerly Invitae), Labcorp); PubMed 22126750 (cited by Labcorp Genetics (formerly Invitae), Labcorp).